The following is an entry in ClinVar:

ClinVar aggregate classification (germline): Conflicting classifications of pathogenicity. Review status: criteria provided, conflicting classifications (1 of 4 stars). 8 submissions from 8 submitters: Uncertain significance (4); Benign (1); Likely benign (3). Last evaluated 2025-12-22.

Conditions:
Hereditary cancer-predisposing syndrome. Also called: Neoplastic Syndromes, Hereditary; Hereditary Cancer Syndrome; Tumor predisposition; Hereditary neoplastic syndrome. Identifiers: Orphanet 140162, MedGen C0027672, MeSH D009386, MONDO:0015356.
Tuberous sclerosis syndrome (TSC). Also called: Tuberous Sclerosis Complex; Tuberous sclerosis. Identifiers: Orphanet 805, MedGen C0041341, MONDO:0001734.
Tuberous sclerosis 1 (TSC1). Identifiers: Orphanet 805, MedGen C1854465, MONDO:0008612, OMIM 191100.

Allele frequency attached by ClinVar (database versions not stated): gnomAD exomes 0.00001 and 0.00011; TOPMed 0.00005; gnomAD 0.00007.
gnomAD v4.1: 168 of 1,614,068 alleles (0.01%); highest among the groups gnomAD compares: East Asian, 0.016%; no homozygotes.

Submissions (8):

Labcorp Genetics (formerly Invitae), Labcorp
Classification: Benign for Tuberous sclerosis 1. Last evaluated: 2025-12-22. Review status: criteria provided, single submitter. Criteria: Invitae Variant Classification Sherloc (09022015). Collection method: clinical testing. Allele origin: germline.

Revvity Omics, Revvity
Classification: Uncertain significance. Last evaluated: 2025-02-28. Review status: criteria provided, single submitter. Criteria: ACMG Guidelines, 2015. Collection method: clinical testing. Allele origin: germline.

Blueprint Genetics
Classification: Uncertain significance. Last evaluated: 2024-10-18. Review status: criteria provided, single submitter. Criteria: ACMG Guidelines, 2015. Collection method: clinical testing. Allele origin: germline.

All of Us Research Program, National Institutes of Health
Classification: Uncertain significance for Tuberous sclerosis syndrome. Last evaluated: 2024-02-05. Review status: criteria provided, single submitter. Criteria: ACMG Guidelines, 2015. Collection method: clinical testing. Allele origin: germline. Inheritance: Autosomal dominant inheritance. Observed: 10 variant alleles, 10 heterozygotes.
Comment: This missense variant replaces methionine with valine at codon 351 of the TSC1 protein. Computational prediction suggests that this variant may not impact protein structure and function (internally defined REVEL score threshold <= 0.5, PMID: 27666373). To our knowledge, functional studies have not been reported for this variant. This variant has not been reported in individuals affected with TSC1-related disorders in the literature. This variant has been identified in 7/282696 chromosomes in the general population by the Genome Aggregation Database (gnomAD). The available evidence is insufficient to determine the role of this variant in disease conclusively. Therefore, this variant is classified as a Variant of Uncertain Significance.

This study involves interpretation of variants in research participants for the purpose of population health screening. Participant phenotype was not available at the time of variant classification. Additional details can be found in publication PMID: 35346344, PMCID: PMC8962531

Color Diagnostics, LLC DBA Color Health
Classification: Uncertain significance for Tuberous sclerosis syndrome. Last evaluated: 2024-01-29. Review status: criteria provided, single submitter. Criteria: ACMG Guidelines, 2015. Collection method: clinical testing. Allele origin: germline.
Comment: This missense variant replaces methionine with valine at codon 351 of the TSC1 protein. Computational prediction suggests that this variant may not impact protein structure and function. To our knowledge, functional studies have not been reported for this variant. This variant has not been reported in individuals affected with TSC1-related disorders in the literature. This variant has been identified in 7/282696 chromosomes in the general population by the Genome Aggregation Database (gnomAD). The available evidence is insufficient to determine the role of this variant in disease conclusively. Therefore, this variant is classified as a Variant of Uncertain Significance.

Genome-Nilou Lab
Classification: Likely benign for Tuberous sclerosis 1. Last evaluated: 2021-11-07. Review status: criteria provided, single submitter. Criteria: ACMG Guidelines, 2015. Collection method: clinical testing. Allele origin: germline. Affected: no.

Ambry Genetics
Classification: Likely benign for Hereditary cancer-predisposing syndrome. Last evaluated: 2021-03-29. Review status: criteria provided, single submitter. Criteria: Ambry Variant Classification Scheme 2023. Collection method: clinical testing. Allele origin: germline.

GeneDx
Classification: Likely benign. Last evaluated: 2021-02-12. Review status: criteria provided, single submitter. Criteria: GeneDx Variant Classification Process June 2021. Collection method: clinical testing. Allele origin: germline. Affected: yes.

NM_000368.5(TSC1):c.1051A>G (p.Met351Val)

Gene: TSC1 (TSC complex subunit 1; minus strand). Cytogenetic location: 9q34.13.
Variant type: single nucleotide variant.
Coding change: c.1051A>G on transcript NM_000368.5 (MANE Select); coding-DNA position 1051, A replaced by G.
Protein change: p.Met351Val; replaces methionine 351 with valine.
Molecular consequence: missense variant.
Genome position (GRCh38, 1-based): chr9:132,911,092, T>C on the plus strand (A>G on the coding strand, the complement: TSC1 is on the minus strand). VCF-style: chr9-132911092-T-C. GRCh37 (hg19) VCF-style: chr9-135786479-T-C.
Other names: p.M351V:ATG>GTG; c.1051A>G, p.Met351Val (NM_001162426.2); c.898A>G, p.Met300Val (NM_001162427.2); c.688A>G, p.Met230Val (NM_001362177.2); short protein forms M351V, M230V, M300V.
Identifiers: ClinVar variation 207606 (VCV000207606.24), dbSNP rs781312535, ClinGen allele CA319232.
Genomic context (GRCh38, chr9:132,911,092, plus strand): 5'-GTGACAGATCAGGTGGGACATTTCCAGGAGAAGTTGGAGGAGTGGTCATACCACAAACCA[T>C]AGATGGGCTCCAAAGAGTAGCCTGGGAAGTTAATAAAGTACATCAGCAGTGGCAAAGGAA-3'
Protein context (NP_000359.1, residues 341-361): PPQATLWSPS[Met351Val]VCGMTTPPTS